The following is an entry in ClinVar:

ClinVar aggregate classification (germline): Uncertain significance. Review status: criteria provided, multiple submitters, no conflicts (2 of 4 stars). 2 submissions from 2 submitters: Uncertain significance (2). Last evaluated 2025-04-10.

Conditions:
Inborn genetic diseases. Identifiers: MedGen C0950123, MeSH D030342.

Allele frequency attached by ClinVar (database versions not stated): TOPMed 0.00001; gnomAD exomes below 0.00001; gnomAD 0.00001.
gnomAD v4.1: 4 of 1,551,226 alleles (0.00026%); highest among the groups gnomAD compares: Admixed American, 0.002%; no homozygotes.

Submissions (2):

Ambry Genetics
Classification: Uncertain significance for Inborn genetic diseases. Last evaluated: 2025-04-10. Review status: criteria provided, single submitter. Criteria: Ambry Variant Classification Scheme 2023. Collection method: clinical testing. Allele origin: germline.

Labcorp Genetics (formerly Invitae), Labcorp
Classification: Uncertain significance. Last evaluated: 2022-03-26. Review status: criteria provided, single submitter. Criteria: Invitae Variant Classification Sherloc (09022015). Collection method: clinical testing. Allele origin: germline.
Comment: This sequence change replaces glycine, which is neutral and non-polar, with aspartic acid, which is acidic and polar, at codon 25 of the ADAMTS17 protein (p.Gly25Asp). The frequency data for this variant in the population databases is considered unreliable, as metrics indicate poor data quality at this position in the gnomAD database. This variant has not been reported in the literature in individuals affected with ADAMTS17-related conditions. Algorithms developed to predict the effect of missense changes on protein structure and function are either unavailable or do not agree on the potential impact of this missense change (SIFT: "Not Available"; PolyPhen-2: "Probably Damaging"; Align-GVGD: "Not Available"). In summary, the available evidence is currently insufficient to determine the role of this variant in disease. Therefore, it has been classified as a Variant of Uncertain Significance.

NM_139057.4(ADAMTS17):c.74G>A (p.Gly25Asp)

Gene: ADAMTS17 (ADAM metallopeptidase with thrombospondin type 1 motif 17; minus strand). Cytogenetic location: 15q26.3.
Variant type: single nucleotide variant.
Coding change: c.74G>A on transcript NM_139057.4 (MANE Select); coding-DNA position 74, G replaced by A.
Protein change: p.Gly25Asp; replaces glycine 25 with aspartic acid.
Molecular consequence: missense variant.
Genome position (GRCh38, 1-based): chr15:100,341,826, C>T on the plus strand (G>A on the coding strand, the complement: ADAMTS17 is on the minus strand). VCF-style: chr15-100341826-C-T. GRCh37 (hg19) VCF-style: chr15-100882031-C-T.
Other names: c.74G>A (NM_139057.2); short protein forms G25D.
Identifiers: ClinVar variation 2176165 (VCV002176165.2), dbSNP rs1421268456, ClinGen allele CA394525791.